The following is an entry in ClinVar:

NM_138691.3(TMC1):c.332G>A (p.Trp111Ter)

Gene: TMC1 (transmembrane channel like 1; plus strand). Cytogenetic location: 9q21.13.
Variant type: single nucleotide variant.
Coding change: c.332G>A on transcript NM_138691.3 (MANE Select); coding-DNA position 332, G replaced by A.
Protein change: p.Trp111Ter; replaces tryptophan 111 with a stop codon.
Molecular consequence: nonsense.
Genome position (GRCh38, 1-based): chr9:72,700,613, G>A. VCF-style: chr9-72700613-G-A. GRCh37 (hg19) VCF-style: chr9-75315529-G-A.
Other names: short protein forms W111*.
Identifiers: ClinVar variation 1202329 (VCV001202329.8), dbSNP rs1345926328, ClinGen allele CA373724607.

ClinVar aggregate classification (germline): Pathogenic/Likely pathogenic. Review status: criteria provided, multiple submitters, no conflicts (2 of 4 stars). 3 submissions from 3 submitters: Pathogenic (2); Likely pathogenic (1). Last evaluated 2025-12-11.

Conditions:
TMC1-related disorder. Also called: TMC1-related condition; TMC1-related disorders.

Allele frequency attached by ClinVar (database versions not stated): gnomAD exomes below 0.00001; TOPMed 0.00001.
gnomAD v4.1: 1 of 1,605,488 alleles (0.000062%); highest among the groups gnomAD compares: Admixed American, 0.0017%; no homozygotes.

Submissions (3):

GeneDx
Classification: Pathogenic. Last evaluated: 2025-12-11. Review status: criteria provided, single submitter. Criteria: GeneDx Variant Classification Process June 2021. Collection method: clinical testing. Allele origin: germline. Affected: yes.
Comment: Nonsense variant predicted to result in protein truncation or nonsense mediated decay in a gene for which loss of function is a known mechanism of disease; Not observed at significant frequency in large population cohorts (gnomAD); Has not been previously published as pathogenic or benign to our knowledge

Labcorp Genetics (formerly Invitae), Labcorp
Classification: Pathogenic. Last evaluated: 2023-03-08. Review status: criteria provided, single submitter. Criteria: Invitae Variant Classification Sherloc (09022015). Collection method: clinical testing. Allele origin: germline.
Comment: This sequence change creates a premature translational stop signal (p.Trp111*) in the TMC1 gene. It is expected to result in an absent or disrupted protein product. Loss-of-function variants in TMC1 are known to be pathogenic (PMID: 11850618, 22105175). For these reasons, this variant has been classified as Pathogenic. Algorithms developed to predict the effect of sequence changes on RNA splicing suggest that this variant may disrupt the consensus splice site. ClinVar contains an entry for this variant (Variation ID: 1202329). This variant has not been reported in the literature in individuals affected with TMC1-related conditions. This variant is present in population databases (no rsID available, gnomAD 0.003%).

Blueprint Genetics
Classification: Likely pathogenic for TMC1-related disorders. Last evaluated: 2022-05-06. Review status: criteria provided, single submitter. Criteria: ACMG Guidelines, 2015. Collection method: clinical testing. Allele origin: germline. Affected: yes. Observed: 1 variant allele.

Literature cited by the submitters: PubMed 11850618 (cited by Labcorp Genetics (formerly Invitae), Labcorp); PubMed 22105175 (cited by Labcorp Genetics (formerly Invitae), Labcorp).